The following is an entry in ClinVar:

ClinVar aggregate classification (germline): Pathogenic (0 of 4 stars; one submission).

Conditions:
Fanconi anemia complementation group A (FANCA). Also called: Fanconi anemia, group A; FANCA-Related Fanconi Anemia. Identifiers: Orphanet 84, MedGen C3469521, MONDO:0009215, OMIM 227650.

Submission:

Leiden Open Variation Database
Classification: Pathogenic for Fanconi anemia complementation group A. Last evaluated: 2020-02-28. Review status: no assertion criteria provided. Collection method: curation. Allele origin: germline. Affected: yes.
Comment: Curator: Arleen D. Auerbach. Submitters to LOVD: Arleen D. Auerbach, Sue Richards.

Literature cited by the submitters: PubMed 25168418.

NC_000016.10:g.(89792548_89795905)_(89816657_?)del

Gene: FANCA (FA complementation group A; minus strand). Cytogenetic location: 16q24.3.
Variant type: Deletion.
Identifiers: ClinVar variation 974082 (VCV000974082.1).